The following is an entry in ClinVar:

ClinVar aggregate classification (germline): Uncertain significance. Review status: criteria provided, multiple submitters, no conflicts (2 of 4 stars). 2 submissions from 2 submitters: Uncertain significance (2). Last evaluated 2025-10-14.

Allele frequency attached by ClinVar (database versions not stated): gnomAD exomes 0.00001.
gnomAD v4.1: 3 of 1,613,502 alleles (0.00019%); highest among the groups gnomAD compares: Admixed American, 0.005%; no homozygotes.

Submissions (2):

Ambry Genetics
Classification: Uncertain significance. Last evaluated: 2025-10-14. Review status: criteria provided, single submitter. Criteria: Ambry Variant Classification Scheme 2023. Collection method: clinical testing. Allele origin: germline.

Women's Health and Genetics/Laboratory Corporation of America, LabCorp
Classification: Uncertain significance. Last evaluated: 2023-09-29. Review status: criteria provided, single submitter. Criteria: LabCorp Variant Classification Summary - May 2015. Collection method: clinical testing. Allele origin: germline.
Comment: Variant summary: TNC c.5743A>G (p.Thr1915Ala) results in a non-conservative amino acid change located in the Fibronectin type III domain (IPR003961) of the encoded protein sequence. Four of five in-silico tools predict a damaging effect of the variant on protein function. The variant allele was found at a frequency of 8e-06 in 250464 control chromosomes. The available data on variant occurrences in the general population are insufficient to allow any conclusion about variant significance. To our knowledge, no occurrence of c.5743A>G in individuals affected with Deafness, Autosomal Dominant 56 and no experimental evidence demonstrating its impact on protein function have been reported. No submitters have cited clinical-significance assessments for this variant to ClinVar after 2014. Based on the evidence outlined above, the variant was classified as uncertain significance.

NM_002160.4(TNC):c.5743A>G (p.Thr1915Ala)

Gene: TNC (tenascin C; minus strand). Cytogenetic location: 9q33.1.
Variant type: single nucleotide variant.
Coding change: c.5743A>G on transcript NM_002160.4 (MANE Select); coding-DNA position 5743, A replaced by G.
Protein change: p.Thr1915Ala; replaces threonine 1915 with alanine.
Molecular consequence: missense variant.
Genome position (GRCh38, 1-based): chr9:115,035,248, T>C on the plus strand (A>G on the coding strand, the complement: TNC is on the minus strand). VCF-style: chr9-115035248-T-C. GRCh37 (hg19) VCF-style: chr9-117797527-T-C.
Other names: short protein forms T1915A.
Identifiers: ClinVar variation 987789 (VCV000987789.3), dbSNP rs1180536647, ClinGen allele CA374626482.